The following is an entry in ClinVar:

ClinVar aggregate classification (germline): Uncertain significance (1 of 4 stars; one submission).

Conditions:
Larsen-like syndrome, B3GAT3 type. Also called: Multiple joint dislocations, short stature, craniofacial dysmorphism, with or without congenital heart defects; MULTIPLE JOINT DISLOCATIONS, SHORT STATURE, AND CRANIOFACIAL DYSMORPHISM WITH OR WITHOUT CONGENITAL HEART DEFECTS. Identifiers: Orphanet 284139, MedGen CN034159, MONDO:0009511, OMIM 245600.

gnomAD v4.1: 5 of 1,612,248 alleles (0.00031%); highest among the groups gnomAD compares: Non-Finnish European, 0.00042%; no homozygotes.

Submission:

Labcorp Genetics (formerly Invitae), Labcorp
Classification: Uncertain significance for Larsen-like syndrome, B3GAT3 type. Last evaluated: 2024-08-31. Review status: criteria provided, single submitter. Criteria: Invitae Variant Classification Sherloc (09022015). Collection method: clinical testing. Allele origin: germline.
Comment: This sequence change replaces arginine, which is basic and polar, with glutamine, which is neutral and polar, at codon 60 of the B3GAT3 protein (p.Arg60Gln). This variant is present in population databases (no rsID available, gnomAD 0.007%). This variant has not been reported in the literature in individuals affected with B3GAT3-related conditions. Invitae Evidence Modeling of protein sequence and biophysical properties (such as structural, functional, and spatial information, amino acid conservation, physicochemical variation, residue mobility, and thermodynamic stability) indicates that this missense variant is not expected to disrupt B3GAT3 protein function with a negative predictive value of 80%. In summary, the available evidence is currently insufficient to determine the role of this variant in disease. Therefore, it has been classified as a Variant of Uncertain Significance.

NM_012200.4(B3GAT3):c.179G>A (p.Arg60Gln)

Gene: B3GAT3 (beta-1,3-glucuronyltransferase 3; minus strand). Cytogenetic location: 11q12.3.
Variant type: single nucleotide variant.
Coding change: c.179G>A on transcript NM_012200.4 (MANE Select); coding-DNA position 179, G replaced by A.
Protein change: p.Arg60Gln; replaces arginine 60 with glutamine.
Molecular consequence: missense variant. On other transcripts: non-coding transcript variant (1).
Genome position (GRCh38, 1-based): chr11:62,620,575, C>T on the plus strand (G>A on the coding strand, the complement: B3GAT3 is on the minus strand). VCF-style: chr11-62620575-C-T. GRCh37 (hg19) VCF-style: chr11-62388047-C-T.
Other names: c.158G>A, p.Arg53Gln (NM_001288721.2); c.179G>A, p.Arg60Gln (NM_001288722.2, NM_001288723.2); short protein forms R53Q, R60Q.
Identifiers: ClinVar variation 3691276 (VCV003691276.2).